The following is an entry in ClinVar:

ClinVar aggregate classification (germline): Uncertain significance (1 of 4 stars; one submission).

Allele frequency attached by ClinVar (database versions not stated): gnomAD exomes below 0.00001.
gnomAD v4.1: 2 of 1,612,902 alleles (0.00012%); highest among the groups gnomAD compares: Admixed American, 0.0017%; no homozygotes.

Submission:

Ambry Genetics
Classification: Uncertain significance. Last evaluated: 2021-08-15. Review status: criteria provided, single submitter. Criteria: Ambry Variant Classification Scheme 2023. Collection method: clinical testing. Allele origin: germline.
Comment: The p.K1046E variant (also known as c.3136A>G), located in coding exon 16 of the POLQ gene, results from an A to G substitution at nucleotide position 3136. The lysine at codon 1046 is replaced by glutamic acid, an amino acid with similar properties. This amino acid position is conserved. In addition, this alteration is predicted to be tolerated by in silico analysis. Since supporting evidence is limited at this time, the clinical significance of this alteration remains unclear.

NM_199420.4(POLQ):c.3136A>G (p.Lys1046Glu)

Gene: POLQ (DNA polymerase theta; minus strand). Cytogenetic location: 3q13.33.
Variant type: single nucleotide variant.
Coding change: c.3136A>G on transcript NM_199420.4 (MANE Select); coding-DNA position 3136, A replaced by G.
Protein change: p.Lys1046Glu; replaces lysine 1046 with glutamic acid.
Molecular consequence: missense variant.
Genome position (GRCh38, 1-based): chr3:121,489,795, T>C on the plus strand (A>G on the coding strand, the complement: POLQ is on the minus strand). VCF-style: chr3-121489795-T-C. GRCh37 (hg19) VCF-style: chr3-121208642-T-C.
Other names: short protein forms K1046E.
Identifiers: ClinVar variation 1728011 (VCV001728011.2), dbSNP rs2546787779, ClinGen allele CA354101620.
Genomic context (GRCh38, chr3:121,489,795, plus strand): 5'-GGATTCTACACGCTCCAGAGTCTTTCAGGGGGCTGCTGTCCCTAGATCGCTTTAGATGCT[T>C]TCTACGTTTCCAAGATCGAAAACTTCTGCTCATCTTTTCTGAATTGAAATTCAAAGGTGC-3'
Protein context (NP_955452.3, residues 1036-1056): SRSFRSWKRR[Lys1046Glu]HLKRSRDSSP